The following is an entry in ClinVar:

ClinVar aggregate classification (germline): Likely benign (1 of 4 stars; one submission).

Submission:

GeneDx
Classification: Likely benign. Last evaluated: 2017-07-27. Review status: criteria provided, single submitter. Criteria: GeneDx Variant Classification (06012015). Collection method: clinical testing. Allele origin: germline. Affected: yes.
Comment: This variant is considered likely benign or benign based on one or more of the following criteria: it is a conservative change, it occurs at a poorly conserved position in the protein, it is predicted to be benign by multiple in silico algorithms, and/or has population frequency not consistent with disease.

NM_032273.4(TMEM126A):c.-7-21_-7-19del

Gene: TMEM126A (transmembrane protein 126A; plus strand). Cytogenetic location: 11q14.1.
Variant type: Deletion.
Coding change: c.-7-21_-7-19del on transcript NM_032273.4 (MANE Select); 21 bases into the intron before 7 bases upstream of the start codon through 19 bases into the intron before 7 bases upstream of the start codon, 3 bases deleted (GAT; older notation c.-7-21_-7-19delGAT).
Molecular consequence: intron variant.
Genome position (GRCh38, 1-based): chr11:85,650,228-85,650,230, GAT deleted; deleting any 3 consecutive bases within chr11:85,650,226-85,650,230 gives the same sequence; the c. name uses the placement nearest the transcript's 3' end. VCF-style (leftmost placement, unchanged base first): chr11-85650225-AATG-A. GRCh37 (hg19) VCF-style: chr11-85361269-AATG-A.
Other names: c.-125+2139_-125+2141del (NM_001244735.2); c.-7-21_-7-19delGAT (NM_032273.3).
Identifiers: ClinVar variation 510859 (VCV000510859.1), dbSNP rs752732834, ClinGen allele CA6212647.